The following is an entry in ClinVar:

ClinVar aggregate classification (germline): Uncertain significance. Review status: criteria provided, multiple submitters, no conflicts (2 of 4 stars). 2 submissions from 2 submitters: Uncertain significance (2). Last evaluated 2026-01-07.

Conditions:
DICER1-related tumor predisposition. Also called: DICER1-related pleuropulmonary blastoma cancer predisposition syndrome; DICER1 syndrome. Identifiers: Orphanet 284343, MedGen C3839822, MONDO:0100216.
Hereditary cancer-predisposing syndrome. Also called: Neoplastic Syndromes, Hereditary; Hereditary Cancer Syndrome; Hereditary neoplastic syndrome; Tumor predisposition. Identifiers: Orphanet 140162, MedGen C0027672, MeSH D009386, MONDO:0015356.

Allele frequency attached by ClinVar (database versions not stated): 1000 Genomes Project 0.00020; 1000 Genomes Project 30x 0.00031.
gnomAD v4.1: 1 of 1,614,072 alleles (0.000062%); highest among the groups gnomAD compares: African/African-American, 0.0013%; no homozygotes.

Submissions (2):

Labcorp Genetics (formerly Invitae), Labcorp
Classification: Uncertain significance for DICER1-related tumor predisposition. Last evaluated: 2026-01-07. Review status: criteria provided, single submitter. Criteria: Invitae Variant Classification Sherloc (09022015). Collection method: clinical testing. Allele origin: germline.
Comment: This sequence change replaces serine, which is neutral and polar, with phenylalanine, which is neutral and non-polar, at codon 1113 of the DICER1 protein (p.Ser1113Phe). This variant is present in population databases (rs143841809, gnomAD 0.007%). This variant has not been reported in the literature in individuals affected with DICER1-related conditions. ClinVar contains an entry for this variant (Variation ID: 823629). Invitae Evidence Modeling of protein sequence and biophysical properties (such as structural, functional, and spatial information, amino acid conservation, physicochemical variation, residue mobility, and thermodynamic stability) indicates that this missense variant is not expected to disrupt DICER1 protein function with a negative predictive value of 95%. In summary, the available evidence is currently insufficient to determine the role of this variant in disease. Therefore, it has been classified as a Variant of Uncertain Significance.

Ambry Genetics
Classification: Uncertain significance for Hereditary cancer-predisposing syndrome. Last evaluated: 2019-08-06. Review status: criteria provided, single submitter. Criteria: Ambry Variant Classification Scheme 2023. Collection method: clinical testing. Allele origin: germline.
Comment: The p.S1113F variant (also known as c.3338C>T), located in coding exon 20 of the DICER1 gene, results from a C to T substitution at nucleotide position 3338. The serine at codon 1113 is replaced by phenylalanine, an amino acid with highly dissimilar properties. This amino acid position is well conserved in available vertebrate species. In addition, this alteration is predicted to be tolerated by in silico analysis. Since supporting evidence is limited at this time, the clinical significance of this alteration remains unclear.

NM_177438.3(DICER1):c.3338C>T (p.Ser1113Phe)

Gene: DICER1 (dicer 1, ribonuclease III; minus strand). Cytogenetic location: 14q32.13.
Variant type: single nucleotide variant.
Coding change: c.3338C>T on transcript NM_177438.3 (MANE Select); coding-DNA position 3338, C replaced by T.
Protein change: p.Ser1113Phe; replaces serine 1113 with phenylalanine.
Molecular consequence: missense variant.
Genome position (GRCh38, 1-based): chr14:95,104,058, G>A on the plus strand (C>T on the coding strand, the complement: DICER1 is on the minus strand). VCF-style: chr14-95104058-G-A. GRCh37 (hg19) VCF-style: chr14-95570395-G-A.
Other names: c.3338C>T, p.Ser1113Phe (NM_001195573.1, NM_001271282.3, NM_001291628.2 and 1 more transcripts); short protein forms S1113F.
Identifiers: ClinVar variation 823629 (VCV000823629.11), dbSNP rs143841809, ClinGen allele CA7331053.